The following is an entry in ClinVar:

NM_001173464.2(KIF21A):c.4428G>A (p.Met1476Ile)

Gene: KIF21A (kinesin family member 21A; minus strand). Cytogenetic location: 12q12.
Variant type: single nucleotide variant.
Coding change: c.4428G>A on transcript NM_001173464.2 (MANE Select); coding-DNA position 4428, G replaced by A.
Protein change: p.Met1476Ile; replaces methionine 1476 with isoleucine.
Molecular consequence: missense variant.
Genome position (GRCh38, 1-based): chr12:39,307,579, C>T on the plus strand (G>A on the coding strand, the complement: KIF21A is on the minus strand). VCF-style: chr12-39307579-C-T. GRCh37 (hg19) VCF-style: chr12-39701381-C-T.
Other names: c.4317G>A, p.Met1439Ile (NM_001173463.2); c.4269G>A, p.Met1423Ile (NM_001173465.2); c.4431G>A, p.Met1477Ile (NM_001378439.1); c.4416G>A, p.Met1472Ile (NM_001378440.1); c.4392G>A, p.Met1464Ile (NM_001378441.1); c.4389G>A, p.Met1463Ile (NM_017641.4); short protein forms M1423I, M1439I, M1463I, M1464I, M1472I, M1476I, M1477I.
Identifiers: ClinVar variation 2628417 (VCV002628417.1), dbSNP rs1467627382, ClinGen allele CA384384218.

ClinVar aggregate classification (germline): Uncertain significance (1 of 4 stars; one submission).

Conditions:
KIF21A-related disorder. Also called: KIF21A-related condition.

Submission:

PreventionGenetics, part of Exact Sciences
Classification: Uncertain significance for KIF21A-related condition. Last evaluated: 2022-11-08. Review status: criteria provided, single submitter. Criteria: ACMG Guidelines, 2015. Collection method: clinical testing. Allele origin: germline.
Comment: The KIF21A c.4428G>A variant is predicted to result in the amino acid substitution p.Met1476Ile. To our knowledge, this variant has not been reported in the literature or in a large population database, indicating this variant is rare. At this time, the clinical significance of this variant is uncertain due to the absence of conclusive functional and genetic evidence.